The following is an entry in ClinVar:

ClinVar aggregate classification (germline): Uncertain significance (1 of 4 stars; one submission).

Submission:

Quest Diagnostics Nichols Institute San Juan Capistrano
Classification: Uncertain significance. Last evaluated: 2024-07-24. Review status: criteria provided, single submitter. Criteria: Quest Diagnostics criteria. Collection method: clinical testing. Allele origin: unknown.
Comment: The FANCM c.919-6T>A variant has not been reported in individuals with FANCM-related conditions in the published literature. The frequency of this variant in the general population, 0.000004 (1/250626 chromosomes (Genome Aggregation Database)), is uninformative in the assessment of its pathogenicity. Analysis of this variant using software algorithms for the prediction of the effect of nucleotide changes on splicing yielded predictions that this variant may affect proper FANCM mRNA splicing. Based on the available information, we are unable to determine the clinical significance of this variant.

NM_020937.4(FANCM):c.919-6T>A

Gene: FANCM (FA complementation group M; plus strand). Cytogenetic location: 14q21.2.
Variant type: single nucleotide variant.
Coding change: c.919-6T>A on transcript NM_020937.4 (MANE Select); 6 bases into the intron before coding-DNA position 919, T replaced by A.
Molecular consequence: intron variant.
Genome position (GRCh38, 1-based): chr14:45,151,391, T>A. VCF-style: chr14-45151391-T-A. GRCh37 (hg19) VCF-style: chr14-45620594-T-A.
Other names: c.841-6T>A (NM_001308133.2); c.919-6T>A (NM_001308134.2).
Identifiers: ClinVar variation 3572299 (VCV003572299.1).